The following is an entry in ClinVar:

NM_012186.3(FOXE3):c.435G>C (p.Trp145Cys)

Genes: FOXE3 (forkhead box E3; plus strand), LINC01389 (long intergenic non-protein coding RNA 1389; minus strand). Cytogenetic location: 1p33.
Variant type: single nucleotide variant.
Coding change: c.435G>C on transcript NM_012186.3 (MANE Select); coding-DNA position 435, G replaced by C.
Protein change: p.Trp145Cys; replaces tryptophan 145 with cysteine.
Molecular consequence: missense variant.
Genome position (GRCh38, 1-based): chr1:47,416,750, G>C. VCF-style: chr1-47416750-G-C. GRCh37 (hg19) VCF-style: chr1-47882422-G-C.
Other names: short protein forms W145C.
Identifiers: ClinVar variation 4259179 (VCV004259179.1).

ClinVar aggregate classification (germline): Uncertain significance (1 of 4 stars; one submission).

Conditions:
Cardiovascular phenotype. Identifiers: MedGen CN230736.

Submission:

Ambry Genetics
Classification: Uncertain significance for Cardiovascular phenotype. Last evaluated: 2025-08-06. Review status: criteria provided, single submitter. Criteria: Ambry Variant Classification Scheme 2023. Collection method: clinical testing. Allele origin: germline.
Comment: The p.W145C variant (also known as c.435G>C), located in coding exon 1 of the FOXE3 gene, results from a G to C substitution at nucleotide position 435. The tryptophan at codon 145 is replaced by cysteine, an amino acid with highly dissimilar properties. This amino acid position is conserved. In addition, this alteration is predicted to be deleterious by in silico analysis. Based on the available evidence, the clinical significance of this variant remains unclear.